The following is an entry in ClinVar:

NM_003482.4(KMT2D):c.2780C>G (p.Pro927Arg)

Gene: KMT2D (lysine methyltransferase 2D; minus strand). Cytogenetic location: 12q13.12.
Variant type: single nucleotide variant.
Coding change: c.2780C>G on transcript NM_003482.4 (MANE Select); coding-DNA position 2780, C replaced by G.
Protein change: p.Pro927Arg; replaces proline 927 with arginine.
Molecular consequence: missense variant.
Genome position (GRCh38, 1-based): chr12:49,050,903, G>C on the plus strand (C>G on the coding strand, the complement: KMT2D is on the minus strand). VCF-style: chr12-49050903-G-C. GRCh37 (hg19) VCF-style: chr12-49444686-G-C.
Other names: short protein forms P927R.
Identifiers: ClinVar variation 2765955 (VCV002765955.3), dbSNP rs769451984, ClinGen allele CA384664008.

ClinVar aggregate classification (germline): Uncertain significance (1 of 4 stars; one submission).

Conditions:
Kabuki syndrome. Also called: NIIKAWA-KUROKI SYNDROME; Kabuki make-up syndrome. Identifiers: Orphanet 2322, MedGen C0796004, MONDO:0016512.

Submission:

Labcorp Genetics (formerly Invitae), Labcorp
Classification: Uncertain significance for Kabuki syndrome. Last evaluated: 2023-10-05. Review status: criteria provided, single submitter. Criteria: Invitae Variant Classification Sherloc (09022015). Collection method: clinical testing. Allele origin: germline.
Comment: This sequence change replaces proline, which is neutral and non-polar, with arginine, which is basic and polar, at codon 927 of the KMT2D protein (p.Pro927Arg). This variant is not present in population databases (gnomAD no frequency). This variant has not been reported in the literature in individuals affected with KMT2D-related conditions. Advanced modeling of protein sequence and biophysical properties (such as structural, functional, and spatial information, amino acid conservation, physicochemical variation, residue mobility, and thermodynamic stability) performed at Invitae indicates that this missense variant is not expected to disrupt KMT2D protein function. In summary, the available evidence is currently insufficient to determine the role of this variant in disease. Therefore, it has been classified as a Variant of Uncertain Significance.